The following is an entry in ClinVar:

ClinVar aggregate classification (germline): Benign/Likely benign. Review status: criteria provided, multiple submitters, no conflicts (2 of 4 stars). 3 submissions from 3 submitters: Benign (1); Likely benign (1). 1 of the submissions does not count toward it. Last evaluated 2026-01-26.

Conditions:
IFT88-related disorder. Also called: IFT88-related condition.

gnomAD v4.1: 1,392 of 1,047,428 alleles (0.13%); highest among the groups gnomAD compares: Non-Finnish European, 0.19%; 4 homozygotes.

Submissions (3):

Labcorp Genetics (formerly Invitae), Labcorp
Classification: Benign. Last evaluated: 2026-01-26. Review status: criteria provided, single submitter. Criteria: Invitae Variant Classification Sherloc (09022015). Collection method: clinical testing. Allele origin: germline.

Blueprint Genetics
Classification: Likely benign. Last evaluated: 2024-11-25. Review status: criteria provided, single submitter. Criteria: ACMG Guidelines, 2015. Collection method: clinical testing. Allele origin: germline.

PreventionGenetics, part of Exact Sciences
Classification: Likely benign for IFT88-related condition. Last evaluated: 2019-07-22. Review status: no assertion criteria provided. Collection method: clinical testing. Allele origin: germline. Not counted in ClinVar's aggregate classification.
Comment: This variant is classified as likely benign based on ACMG/AMP sequence variant interpretation guidelines (Richards et al. 2015 PMID: 25741868, with internal and published modifications).

NM_006531.5(IFT88):c.698-7A>T

Gene: IFT88 (intraflagellar transport 88; plus strand). Cytogenetic location: 13q12.11.
Variant type: single nucleotide variant.
Coding change: c.698-7A>T on transcript NM_006531.5 (MANE Select); 7 bases into the intron before coding-DNA position 698, A replaced by T.
Molecular consequence: intron variant.
Genome position (GRCh38, 1-based): chr13:20,599,444, A>T. VCF-style: chr13-20599444-A-T. GRCh37 (hg19) VCF-style: chr13-21173583-A-T.
Other names: c.725-7A>T (NM_001318493.2, NM_175605.5, NM_001353570.2 and 7 more transcripts); c.698-7A>T (NM_001353568.2, NM_001353572.2, NM_001353571.2 and 1 more transcripts); c.65-7A>T (NM_001353579.2); c.641-7A>T (NM_001353575.2, NM_001318491.2, NM_001353573.2 and 1 more transcripts).
Identifiers: ClinVar variation 1606554 (VCV001606554.11), dbSNP rs113493127, ClinGen allele CA6905178.
Genomic context (GRCh38, chr13:20,599,444, plus strand): 5'-GTCATCTAAAATATCAAAGAGTGGAAAAATGAGAGTATTATACATTCATTAAATTTTTTT[A>T]AATTAGGAATATTGAAAATGAATATGGGAAATATCTATTTAAAGCAAAGAAATTATTCCA-3'